The following is an entry in ClinVar:

NM_177438.3(DICER1):c.3675C>A (p.Tyr1225Ter)

Gene: DICER1 (dicer 1, ribonuclease III; minus strand). Cytogenetic location: 14q32.13.
Variant type: single nucleotide variant.
Coding change: c.3675C>A on transcript NM_177438.3 (MANE Select); coding-DNA position 3675, C replaced by A.
Protein change: p.Tyr1225Ter; replaces tyrosine 1225 with a stop codon.
Molecular consequence: nonsense.
Genome position (GRCh38, 1-based): chr14:95,103,721, G>T on the plus strand (C>A on the coding strand, the complement: DICER1 is on the minus strand). VCF-style: chr14-95103721-G-T. GRCh37 (hg19) VCF-style: chr14-95570058-G-T.
Other names: c.3675C>A, p.Tyr1225Ter (NM_001195573.1, NM_001271282.3, NM_001291628.2 and 1 more transcripts); short protein forms Y1225*.
Identifiers: ClinVar variation 690472 (VCV000690472.12), dbSNP rs184830847, ClinGen allele CA390874402.
Genomic context (GRCh38, chr14:95,103,721, plus strand): 5'-TCCATCAAGGTATTTATTACTCAGGAGAGTACATTCATCGCTGGGCTGGGGCTGGTTCTC[G>T]TAACTGTATAAATTCTGAATGGAATATGAGGTAGTTGGTTGCACGGGTATTTCCTGCTTG-3'

ClinVar aggregate classification (germline): Pathogenic. Review status: criteria provided, multiple submitters, no conflicts (2 of 4 stars). 4 submissions from 4 submitters: Pathogenic (4). Last evaluated 2025-11-22.

Conditions:
DICER1-related disorder. Also called: DICER1-related condition.
DICER1-related tumor predisposition. Also called: DICER1 syndrome; DICER1-related pleuropulmonary blastoma cancer predisposition syndrome. Identifiers: Orphanet 284343, MedGen C3839822, MONDO:0100216.
Hereditary cancer-predisposing syndrome. Also called: Tumor predisposition; Hereditary neoplastic syndrome; Hereditary Cancer Syndrome; Neoplastic Syndromes, Hereditary. Identifiers: Orphanet 140162, MedGen C0027672, MeSH D009386, MONDO:0015356.

Submissions (4):

Labcorp Genetics (formerly Invitae), Labcorp
Classification: Pathogenic for DICER1-related tumor predisposition. Last evaluated: 2025-11-22. Review status: criteria provided, single submitter. Criteria: Invitae Variant Classification Sherloc (09022015). Collection method: clinical testing. Allele origin: germline.
Comment: This sequence change creates a premature translational stop signal (p.Tyr1225*) in the DICER1 gene. It is expected to result in an absent or disrupted protein product. Loss-of-function variants in DICER1 are known to be pathogenic (PMID: 19556464, 21266384). This variant is not present in population databases (gnomAD no frequency). This premature translational stop signal has been observed in individual(s) with pleuropulmonary blastoma (PMID: 28624956). ClinVar contains an entry for this variant (Variation ID: 690472). For these reasons, this variant has been classified as Pathogenic.

Ambry Genetics
Classification: Pathogenic for Hereditary cancer-predisposing syndrome. Last evaluated: 2025-11-13. Review status: criteria provided, single submitter. Criteria: Ambry Variant Classification Scheme 2023. Collection method: clinical testing. Allele origin: germline.
Comment: The p.Y1225* pathogenic mutation (also known as c.3675C>A), located in coding exon 20 of the DICER1 gene, results from a C to A substitution at nucleotide position 3675. This changes the amino acid from a tyrosine to a stop codon within coding exon 20. This alteration is expected to result in loss of function by premature protein truncation or nonsense-mediated mRNA decay. As such, this alteration is interpreted as a disease-causing mutation.

PreventionGenetics, part of Exact Sciences
Classification: Pathogenic for DICER1-related condition. Last evaluated: 2025-07-23. Review status: criteria provided, single submitter. Criteria: ACMG Guidelines, 2015. Collection method: clinical testing. Allele origin: germline.
Comment: The DICER1 c.3675C>A variant is predicted to result in premature protein termination (p.Tyr1225*). This variant has been reported in an individual with pleuropulmonary blastoma (PPB) (Cai et al. 2017. PubMed ID: 28624956). Of note, the variant was also identified in the patient's mother and sibling. This variant has also been reported in a pair of monozygotic twins and their mother (Li et al. 2017. PubMed ID: 28688118). One twin developed PPB and the other developed acute transient hepatitis. This variant has not been reported in a large population database (gnomAD), indicating this variant is rare, and is reported as pathogenic/likely pathogenic in ClinVar (Variation ID: 690472). Nonsense variants in DICER1 are expected to be pathogenic. This variant is interpreted as pathogenic.

Foulkes Cancer Genetics LDI, Lady Davis Institute for Medical Research
Classification: Pathogenic for Pleuropulmonary blastoma. Last evaluated: 2019-07-01. Review status: criteria provided, single submitter. Criteria: ACMG Guidelines, 2015. Collection method: curation. Allele origin: germline. Affected: yes. Observed: 3 variant alleles.
Comment: ACMG criteria met: PVS1, PM2, PP4

Literature cited by the submitters: PubMed 19556464 (cited by Labcorp Genetics (formerly Invitae), Labcorp); PubMed 21266384 (cited by Labcorp Genetics (formerly Invitae), Labcorp); PubMed 28624956 (cited by Labcorp Genetics (formerly Invitae), Labcorp); PubMed 25022261 (cited by Ambry Genetics); PubMed 28688118 (cited by Foulkes Cancer Genetics LDI, Lady Davis Institute for Medical Research).